The following is an entry in ClinVar:

NM_005475.3(SH2B3):c.144C>G (p.Phe48Leu)

Gene: SH2B3 (SH2B adaptor protein 3; plus strand). Cytogenetic location: 12q24.12.
Variant type: single nucleotide variant.
Coding change: c.144C>G on transcript NM_005475.3 (MANE Select); coding-DNA position 144, C replaced by G.
Protein change: p.Phe48Leu; replaces phenylalanine 48 with leucine.
Molecular consequence: missense variant.
Genome position (GRCh38, 1-based): chr12:111,418,289, C>G. VCF-style: chr12-111418289-C-G. GRCh37 (hg19) VCF-style: chr12-111856093-C-G.
Other names: short protein forms F48L.
Identifiers: ClinVar variation 4864456 (VCV004864456.1).

ClinVar aggregate classification (germline): Uncertain significance (1 of 4 stars; one submission).

Conditions:
Inborn genetic diseases. Identifiers: MedGen C0950123, MeSH D030342.

Submission:

Ambry Genetics
Classification: Uncertain significance for Inborn genetic diseases. Last evaluated: 2026-05-26. Review status: criteria provided, single submitter. Criteria: Ambry Variant Classification Scheme 2023. Collection method: clinical testing. Allele origin: germline.
Comment: The p.F48L variant (also known as c.144C>G), located in coding exon 1 of the SH2B3 gene, results from a C to G substitution at nucleotide position 144. The phenylalanine at codon 48 is replaced by leucine, an amino acid with highly similar properties. This amino acid position is conserved. In addition, the in silico prediction for this alteration is inconclusive. Based on the available evidence, the clinical significance of this variant remains unclear.